The following is an entry in ClinVar:

ClinVar aggregate classification (germline): Uncertain significance. Review status: criteria provided, multiple submitters, no conflicts (2 of 4 stars). 2 submissions from 2 submitters: Uncertain significance (2). Last evaluated 2022-05-09.

Conditions:
Inborn genetic diseases. Identifiers: MedGen C0950123, MeSH D030342.
Spastic paraplegia. Identifiers: MedGen C0037772, HP:0001258.

Allele frequency attached by ClinVar (database versions not stated): gnomAD exomes 0.00003; TOPMed 0.00005; ExAC 0.00010.
gnomAD v4.1: 26 of 1,445,578 alleles (0.0018%); highest among the groups gnomAD compares: Admixed American, 0.0056%; no homozygotes.

Submissions (2):

Ambry Genetics
Classification: Uncertain significance for Inborn genetic diseases. Last evaluated: 2022-05-09. Review status: criteria provided, single submitter. Criteria: Ambry Variant Classification Scheme 2023. Collection method: clinical testing. Allele origin: germline.

Labcorp Genetics (formerly Invitae), Labcorp
Classification: Uncertain significance for Spastic paraplegia. Last evaluated: 2022-03-15. Review status: criteria provided, single submitter. Criteria: Invitae Variant Classification Sherloc (09022015). Collection method: clinical testing. Allele origin: germline.
Comment: This sequence change replaces proline, which is neutral and non-polar, with arginine, which is basic and polar, at codon 64 of the B4GALNT1 protein (p.Pro64Arg). The frequency data for this variant in the population databases is considered unreliable, as metrics indicate poor data quality at this position in the gnomAD database. This variant has not been reported in the literature in individuals affected with B4GALNT1-related conditions. ClinVar contains an entry for this variant (Variation ID: 962697). Algorithms developed to predict the effect of missense changes on protein structure and function are either unavailable or do not agree on the potential impact of this missense change (SIFT: "Deleterious"; PolyPhen-2: "Benign"; Align-GVGD: "Class C0"). In summary, the available evidence is currently insufficient to determine the role of this variant in disease. Therefore, it has been classified as a Variant of Uncertain Significance.

NM_001478.5(B4GALNT1):c.191C>G (p.Pro64Arg)

Gene: B4GALNT1 (beta-1,4-N-acetyl-galactosaminyltransferase 1; minus strand). Cytogenetic location: 12q13.3.
Variant type: single nucleotide variant.
Coding change: c.191C>G on transcript NM_001478.5 (MANE Select); coding-DNA position 191, C replaced by G.
Protein change: p.Pro64Arg; replaces proline 64 with arginine.
Molecular consequence: missense variant.
Genome position (GRCh38, 1-based): chr12:57,631,942, G>C on the plus strand (C>G on the coding strand, the complement: B4GALNT1 is on the minus strand). VCF-style: chr12-57631942-G-C. GRCh37 (hg19) VCF-style: chr12-58025725-G-C.
Other names: c.191C>G, p.Pro64Arg (NM_001276468.2, NM_001276469.2); c.191C>G (NM_001478.3); short protein forms P64R.
Identifiers: ClinVar variation 962697 (VCV000962697.7), dbSNP rs764035610, ClinGen allele CA6655865.